The following is an entry in ClinVar:

ClinVar aggregate classification (germline): Uncertain significance (1 of 4 stars; one submission).

Submission:

Labcorp Genetics (formerly Invitae), Labcorp
Classification: Uncertain significance. Last evaluated: 2022-03-19. Review status: criteria provided, single submitter. Criteria: Invitae Variant Classification Sherloc (09022015). Collection method: clinical testing. Allele origin: germline.
Comment: This sequence change replaces aspartic acid, which is acidic and polar, with glutamic acid, which is acidic and polar, at codon 96 of the ARL3 protein (p.Asp96Glu). This variant is not present in population databases (gnomAD no frequency). This variant has not been reported in the literature in individuals affected with ARL3-related conditions. In summary, the available evidence is currently insufficient to determine the role of this variant in disease. Therefore, it has been classified as a Variant of Uncertain Significance. Algorithms developed to predict the effect of missense changes on protein structure and function (SIFT, PolyPhen-2, Align-GVGD) all suggest that this variant is likely to be disruptive. ClinVar contains an entry for this variant (Variation ID: 1006849).

NM_004311.4(ARL3):c.288C>A (p.Asp96Glu)

Gene: ARL3 (ARF like GTPase 3; minus strand). Cytogenetic location: 10q24.32.
Variant type: single nucleotide variant.
Coding change: c.288C>A on transcript NM_004311.4 (MANE Select); coding-DNA position 288, C replaced by A.
Protein change: p.Asp96Glu; replaces aspartic acid 96 with glutamic acid.
Molecular consequence: missense variant.
Genome position (GRCh38, 1-based): chr10:102,689,920, G>T on the plus strand (C>A on the coding strand, the complement: ARL3 is on the minus strand). VCF-style: chr10-102689920-G-T. GRCh37 (hg19) VCF-style: chr10-104449677-G-T.
Other names: short protein forms D96E.
Identifiers: ClinVar variation 1006849 (VCV001006849.8), dbSNP rs201727171, ClinGen allele CA377921995.